The following is an entry in ClinVar:

ClinVar aggregate classification (germline): Likely benign. Review status: criteria provided, multiple submitters, no conflicts (2 of 4 stars). 3 submissions from 3 submitters: Likely benign (3). Last evaluated 2025-08-13.

Conditions:
Chuvash polycythemia. Also called: POLYCYTHEMIA, VHL-DEPENDENT. Identifiers: Orphanet 238557, MedGen C1837915, MONDO:0009892, OMIM 263400.
Von Hippel-Lindau syndrome (VHLS). Also called: VHL syndrome; von Hippel–Lindau syndrome; Von Hippel-Lindau. Identifiers: Orphanet 892, MedGen C0019562, MONDO:0008667, OMIM 193300. Disease mechanism: loss of function.

Allele frequency attached by ClinVar (database versions not stated): gnomAD exomes below 0.00001 and 0.00001; TOPMed below 0.00001; ExAC 0.00001; gnomAD 0.00001.
gnomAD v4.1: 6 of 1,613,532 alleles (0.00037%); highest among the groups gnomAD compares: Non-Finnish European, 0.00042%; no homozygotes.

Submissions (3):

Labcorp Genetics (formerly Invitae), Labcorp
Classification: Likely benign for Von Hippel-Lindau syndrome; Chuvash polycythemia. Last evaluated: 2025-08-13. Review status: criteria provided, single submitter. Criteria: Invitae Variant Classification Sherloc (09022015). Collection method: clinical testing. Allele origin: germline.

Myriad Genetics, Inc.
Classification: Likely benign for Von Hippel-Lindau syndrome. Last evaluated: 2025-06-12. Review status: criteria provided, single submitter. Criteria: Myriad Autosomal Dominant, Autosomal Recessive and X-Linked Classification Criteria (2023). Collection method: clinical testing. Allele origin: unknown.
Comment: This variant is considered likely benign. This variant is intronic and is not expected to impact mRNA splicing.

All of Us Research Program, National Institutes of Health
Classification: Likely benign for Von Hippel-Lindau syndrome. Last evaluated: 2024-05-14. Review status: criteria provided, single submitter. Criteria: ACMG Guidelines, 2015. Collection method: clinical testing. Allele origin: germline. Inheritance: Autosomal dominant inheritance. Observed: 3 variant alleles, 3 heterozygotes.
Comment: This study involves interpretation of variants in research participants for the purpose of population health screening. Participant phenotype was not available at the time of variant classification. Additional details can be found in publication PMID: 35346344, PMCID: PMC8962531

NM_000551.4(VHL):c.464-12T>C

Genes: VHL (von Hippel-Lindau tumor suppressor; plus strand), LOC107303340 (3p25 von Hippel-Lindau tumor suppressor, E3 ubiquitin protein ligase Alu-mediated recombination region; plus strand). Cytogenetic location: 3p25.3.
Variant type: single nucleotide variant.
Coding change: c.464-12T>C on transcript NM_000551.4 (MANE Select); 12 bases into the intron before coding-DNA position 464, T replaced by C.
Molecular consequence: intron variant.
Genome position (GRCh38, 1-based): chr3:10,149,775, T>C. VCF-style: chr3-10149775-T-C. GRCh37 (hg19) VCF-style: chr3-10191459-T-C.
Other names: c.*18-12T>C (NM_001354723.2); c.341-12T>C (NM_198156.3).
Identifiers: ClinVar variation 1605364 (VCV001605364.11), dbSNP rs746646171, ClinGen allele CA041224.